The following is an entry in ClinVar:

NM_133510.4(RAD51B):c.812C>G (p.Ala271Gly)

Gene: RAD51B (RAD51 paralog B; plus strand). Cytogenetic location: 14q24.1.
Variant type: single nucleotide variant.
Coding change: c.812C>G on transcript NM_133510.4 (MANE Select); coding-DNA position 812, C replaced by G.
Protein change: p.Ala271Gly; replaces alanine 271 with glycine.
Molecular consequence: missense variant.
Genome position (GRCh38, 1-based): chr14:68,291,939, C>G. VCF-style: chr14-68291939-C-G. GRCh37 (hg19) VCF-style: chr14-68758656-C-G.
Other names: c.812C>G, p.Ala271Gly (NM_001321819.1, NM_001321821.2, NM_002877.6 and 6 more transcripts); c.698C>G, p.Ala233Gly (NM_001321815.1); c.455C>G, p.Ala152Gly (NM_001321817.2); short protein forms A271G, A233G, A152G.
Identifiers: ClinVar variation 4575283 (VCV004575283.1).

ClinVar aggregate classification (germline): Uncertain significance (1 of 4 stars; one submission).

Submission:

Ambry Genetics
Classification: Uncertain significance. Last evaluated: 2025-10-03. Review status: criteria provided, single submitter. Criteria: Ambry Variant Classification Scheme 2023. Collection method: clinical testing. Allele origin: germline.
Comment: The p.A271G variant (also known as c.812C>G), located in coding exon 7 of the RAD51B gene, results from a C to G substitution at nucleotide position 812. The alanine at codon 271 is replaced by glycine, an amino acid with similar properties. This amino acid position is conserved. In addition, this alteration is predicted to be tolerated by in silico analysis. Based on the available evidence, the clinical significance of this variant remains unclear.